The following is an entry in ClinVar:

ClinVar aggregate classification (germline): Uncertain significance. Review status: criteria provided, multiple submitters, no conflicts (2 of 4 stars). 2 submissions from 2 submitters: Uncertain significance (2). Last evaluated 2025-09-01.

Conditions:
Inborn genetic diseases. Identifiers: MedGen C0950123, MeSH D030342.
ALG8 congenital disorder of glycosylation. Also called: ALG8-CDG; CONGENITAL DISORDER OF GLYCOSYLATION, TYPE Ih; CDG Ih. Identifiers: Orphanet 79325, MedGen C2931002, MONDO:0011969, OMIM 608104.

gnomAD v4.1: 4 of 1,611,192 alleles (0.00025%); highest among the groups gnomAD compares: East Asian, 0.0067%; no homozygotes.

Submissions (2):

Ambry Genetics
Classification: Uncertain significance for Inborn genetic diseases. Last evaluated: 2025-09-01. Review status: criteria provided, single submitter. Criteria: Ambry Variant Classification Scheme 2023. Collection method: clinical testing. Allele origin: germline.

Juno Genomics, Hangzhou Juno Genomics, Inc
Classification: Uncertain significance for ALG8 congenital disorder of glycosylation. Review status: criteria provided, single submitter. Criteria: ACMG Guidelines, 2015. Collection method: clinical testing. Allele origin: germline.
Comment: Absent from controls (or at extremely low frequency if recessive) in Genome Aggregation Database.;Multiple lines of computational evidence support a deleterious effect on the gene or gene product.

NM_024079.5(ALG8):c.492G>C (p.Gln164His)

Gene: ALG8 (ALG8 alpha-1,3-glucosyltransferase; minus strand). Cytogenetic location: 11q14.1.
Variant type: single nucleotide variant.
Coding change: c.492G>C on transcript NM_024079.5 (MANE Select); coding-DNA position 492, G replaced by C.
Protein change: p.Gln164His; replaces glutamine 164 with histidine.
Molecular consequence: missense variant. On other transcripts: 5 prime UTR variant (2), non-coding transcript variant (2).
Genome position (GRCh38, 1-based): chr11:78,119,236, C>G on the plus strand (G>C on the coding strand, the complement: ALG8 is on the minus strand). VCF-style: chr11-78119236-C-G. GRCh37 (hg19) VCF-style: chr11-77830282-C-G.
Other names: c.492G>C, p.Gln164His (NM_001007027.3, NM_001425221.1, NM_001425222.1 and 13 more transcripts); c.495G>C, p.Gln165His (NM_001425219.1); c.477G>C, p.Gln159His (NM_001425220.1); c.339G>C, p.Gln113His (NM_001425226.1, NM_001425235.1, NM_001425236.1); c.228G>C, p.Gln76His (NM_001425239.1, NM_001425234.1); c.-25G>C (NM_001425241.1); c.-59G>C (NM_001425242.1); c.291G>C, p.Gln97His (NM_001425231.1); short protein forms Q165H, Q159H, Q164H, Q76H, Q97H, Q113H.
Identifiers: ClinVar variation 4270872 (VCV004270872.3).